The following continues an entry in ClinVar:

NM_007194.4(CHEK2):c.592+3A>T

Gene: CHEK2. ClinVar aggregate classification (germline): Pathogenic/Likely pathogenic. Pathogenic (7); Likely pathogenic (23).

Submissions 24 to 36 of 36:

Department of Pathology and Laboratory Medicine, Sinai Health System
Classification: Likely pathogenic for Familial prostate cancer; Bone osteosarcoma; CHEK2-related cancer predisposition. Last evaluated: 2022-04-20. Review status: criteria provided, single submitter. Criteria: ACMG Guidelines, 2015. Collection method: clinical testing. Allele origin: germline. Affected: no.

Sema4
Classification: Likely pathogenic for Hereditary cancer-predisposing syndrome. Last evaluated: 2022-02-11. Review status: criteria provided, single submitter. Criteria: Sema4 Curation Guidelines. Collection method: curation. Allele origin: germline.
Comment: The CHEK2 c.592+3A>T variant has been reported in heterozygosity in at least 17 individuals with breast cancer, colorectal cancer, and/or renal cell carcinoma (PMID: 27978560, 29522266, 33980423, 32658311, 33925588). Functional studies have shown that this variant results in aberrant splicing and skipping of exons 3, 4 and/or 5, (PMID: 27616075, 33925588). This variant is a founder variant in the Greek population (PMID: 33925588). This variant was observed in 7/113652 chromosomes in the European (non-Finnish) population, according to the Genome Aggregation Database (PMID: 32461654). This variant has been reported in ClinVar (Variation ID: 142956). Based on the current evidence available, this variant is interpreted as likely pathogenic.

Institute of Medical Genetics and Applied Genomics, University Hospital Tübingen
Classification: Likely pathogenic. Last evaluated: 2020-10-23. Review status: criteria provided, single submitter. Criteria: ACMG Guidelines, 2015. Collection method: clinical testing. Allele origin: germline. Inheritance: Unknown mechanism. Affected: yes.

Biomedical Genomics and Oncogenetics Laboratory, Institut Pasteur de Tunis, University Tunis El Manar
Classification: Pathogenic for Familial cancer of breast. Review status: criteria provided, single submitter. Criteria: ACMG Guidelines, 2015. Collection method: clinical testing. Allele origin: germline. Inheritance: Autosomal dominant inheritance. Affected: yes. Observed: 2 variant alleles.

Biomedical Genomics and Oncogenetics Laboratory, Institut Pasteur de Tunis, University Tunis El Manar
Classification: Pathogenic for Familial prostate cancer. Review status: criteria provided, single submitter. Criteria: ACMG Guidelines, 2015. Collection method: clinical testing. Allele origin: germline. Inheritance: Autosomal dominant inheritance. Affected: yes. Observed: 2 variant alleles.

Juno Genomics, Hangzhou Juno Genomics, Inc
Classification: Likely pathogenic for Bone osteosarcoma; Familial prostate cancer; CHEK2-related cancer predisposition. Review status: criteria provided, single submitter. Criteria: ACMG Guidelines, 2015. Collection method: clinical testing. Allele origin: germline.
Comment: Absent from controls (or at extremely low frequency if recessive) in Genome Aggregation Database.;Null variant in a gene where loss of function (LOF) is a known mechanism of disease.;The prevalence of the variant in affected individuals is significantly increased compared to the prevalence in controls.

University Health Network, Familial Cancer Clinic, Princess Margaret Cancer Centre
Classification: Likely pathogenic for CHEK2-related cancer predisposition. Review status: criteria provided, single submitter. Criteria: ACMG Guidelines, 2015. Collection method: clinical testing. Allele origin: germline. Inheritance: Autosomal dominant inheritance. Affected: yes. Observed: 1 variant allele.

PreventionGenetics, part of Exact Sciences
Classification: Likely pathogenic for CHEK2-related condition. Last evaluated: 2024-02-14. Review status: no assertion criteria provided. Collection method: clinical testing. Allele origin: germline. Not counted in ClinVar's aggregate classification.
Comment: The CHEK2 c.592+3A>T variant is predicted to interfere with splicing. This variant has been reported in individuals with colorectal cancer (Pearlman et al. 2017, eTable 2. PubMed ID: 27978560; Akcay. 2020. PubMed ID: 32658311; Ercoskun and Ozkan. 2022. PubMed ID: 35418818), breast cancer (Table 1, Kraus et al. 2017. PubMed ID: 27616075; reported as c.721+3A>T in Table 3, Bora et al. 2022. PubMed ID: 35220195; Toss et al. 2021. PubMed ID: 33919281; Ece Solmaz et al. 2021. PubMed ID: 33980423), and breast/ovarian cancer (Table S1, Kauke et al. 2018. PubMed ID:29522266). Functional analysis (RT-PCR) has demonstrated the formation of two different shortened CHEK2 transcripts, one lacking exon 4 and the other lacking exons 4-5 (Figure 1, Kraus et al. 2017. PubMed ID: 27616075). This variant is reported in 0.0062% of alleles in individuals of European (Non-Finnish) descent in gnomAD and has conflicting interpretations regarding its pathogenicity in ClinVar, ranging from uncertain to likely pathogenic. In summary, this variant is interpreted as likely pathogenic.

Medical Genetics Laboratory, Umraniye Training and Research Hospital, University of Health Sciences
Classification: Uncertain significance for Breast carcinoma. Last evaluated: 2021-08-09. Review status: no assertion criteria provided. Collection method: clinical testing. Allele origin: germline. Inheritance: Autosomal dominant inheritance. Affected: yes. Observed: 1 variant allele, 1 heterozygote. Not counted in ClinVar's aggregate classification.

King Laboratory, University of Washington
Classification: Pathogenic for Familial cancer of breast; Li-Fraumeni syndrome 2. Last evaluated: 2019-09-01. Review status: no assertion criteria provided. Collection method: research. Allele origin: germline. Affected: yes. Not counted in ClinVar's aggregate classification.
Comment: Transcript analysis by cBROCA

Counsyl
Classification: Uncertain significance for Familial cancer of breast. Last evaluated: 2016-06-27. Review status: no assertion criteria provided. Collection method: clinical testing. Allele origin: unknown. Not counted in ClinVar's aggregate classification.

Clinical Genetics DNA and cytogenetics Diagnostics Lab, Erasmus MC, Erasmus Medical Center
Classification: Likely pathogenic. Review status: no assertion criteria provided. Collection method: clinical testing. Allele origin: germline. Affected: yes. Study: VKGL Data-share Consensus. Not counted in ClinVar's aggregate classification.

Diagnostic Laboratory, Department of Genetics, University Medical Center Groningen
Classification: Likely pathogenic. Review status: no assertion criteria provided. Collection method: clinical testing. Allele origin: germline. Affected: yes. Study: VKGL Data-share Consensus. Not counted in ClinVar's aggregate classification.

Literature cited by the submitters: PubMed 27616075 (cited by 9 submitters); PubMed 31843900 (cited by 8 submitters); PubMed 33925588 (cited by 8 submitters); PubMed 37725924 (cited by 4 submitters); PubMed 27978560 (cited by 8 submitters); PubMed 29522266 (cited by 8 submitters); PubMed 33980423 (cited by 5 submitters); PubMed 32658311 (cited by 8 submitters); PubMed 33919281 (cited by 5 submitters); PubMed 35534704 (cited by Labcorp Genetics (formerly Invitae), Labcorp and Color Diagnostics, LLC DBA Color Health); PubMed 17576681 (cited by Labcorp Genetics (formerly Invitae), Labcorp); PubMed 9536098 (cited by Labcorp Genetics (formerly Invitae), Labcorp); PubMed 28486781 (cited by 3 submitters); PubMed 31300551 (cited by 5 submitters); PubMed 35350808 (cited by Color Diagnostics, LLC DBA Color Health and Quest Diagnostics Nichols Institute San Juan Capistrano); PubMed 38313678 (cited by Color Diagnostics, LLC DBA Color Health and Quest Diagnostics Nichols Institute San Juan Capistrano); PubMed 35220195 (cited by Quest Diagnostics Nichols Institute San Juan Capistrano and Women's Health and Genetics/Laboratory Corporation of America, LabCorp); PubMed 34426522 (cited by Quest Diagnostics Nichols Institute San Juan Capistrano); PubMed 35264596 (cited by Quest Diagnostics Nichols Institute San Juan Capistrano); PubMed 35418818 (cited by Quest Diagnostics Nichols Institute San Juan Capistrano).